The following is an entry in ClinVar:

NM_004168.4(SDHA):c.1417G>C (p.Glu473Gln)

Gene: SDHA (succinate dehydrogenase complex flavoprotein subunit A; plus strand). Cytogenetic location: 5p15.33.
Variant type: single nucleotide variant.
Coding change: c.1417G>C on transcript NM_004168.4 (MANE Select); coding-DNA position 1417, G replaced by C.
Protein change: p.Glu473Gln; replaces glutamic acid 473 with glutamine.
Molecular consequence: missense variant.
Genome position (GRCh38, 1-based): chr5:236,584, G>C. VCF-style: chr5-236584-G-C. GRCh37 (hg19) VCF-style: chr5-236699-G-C.
Other names: c.1273G>C, p.Glu425Gln (NM_001294332.2); c.1417G>C, p.Glu473Gln (NM_001330758.2); short protein forms E425Q, E473Q.
Identifiers: ClinVar variation 1394720 (VCV001394720.6), dbSNP rs2126590644, ClinGen allele CA359014112.
Genomic context (GRCh38, chr5:236,584, plus strand): 5'-GGGGCAAACTCGCTCTTGGACCTGGTTGTCTTTGGTCGGGCATGTGCCCTGAGCATCGAA[G>C]AGTCATGCAGGCCTGGTAAGTGTTTTCTTCAGGAGCCAGACTATTTGAGAAGGCGCAGGA-3'
Protein context (NP_004159.2, residues 463-483): FGRACALSIE[Glu473Gln]SCRPGDKVPP

ClinVar aggregate classification (germline): Uncertain significance (1 of 4 stars; one submission).

Conditions:
Mitochondrial complex II deficiency, nuclear type 1. Also called: SUCCINATE CoQ REDUCTASE DEFICIENCY. Identifiers: Orphanet 3208, MedGen C5700310, MONDO:0100294, OMIM 252011.
Pheochromocytoma/paraganglioma syndrome 5. Also called: Paragangliomas 5; SDHA-Related Hereditary Paraganglioma-Pheochromocytoma Syndrome. Identifiers: Orphanet 29072, MedGen C3279992, MONDO:0013602, OMIM 614165.

Submission:

Labcorp Genetics (formerly Invitae), Labcorp
Classification: Uncertain significance for Pheochromocytoma/paraganglioma syndrome 5; Mitochondrial complex II deficiency, nuclear type 1. Last evaluated: 2021-11-23. Review status: criteria provided, single submitter. Criteria: Invitae Variant Classification Sherloc (09022015). Collection method: clinical testing. Allele origin: germline.
Comment: This variant is not present in population databases (gnomAD no frequency). This sequence change replaces glutamic acid, which is acidic and polar, with glutamine, which is neutral and polar, at codon 473 of the SDHA protein (p.Glu473Gln). This variant has not been reported in the literature in individuals affected with SDHA-related conditions. Advanced modeling of protein sequence and biophysical properties (such as structural, functional, and spatial information, amino acid conservation, physicochemical variation, residue mobility, and thermodynamic stability) performed at Invitae indicates that this missense variant is not expected to disrupt SDHA protein function. In summary, the available evidence is currently insufficient to determine the role of this variant in disease. Therefore, it has been classified as a Variant of Uncertain Significance.